The following is an entry in ClinVar:

NM_152594.3(SPRED1):c.1011C>A (p.Tyr337Ter)

Gene: SPRED1 (sprouty related EVH1 domain containing 1; plus strand). Cytogenetic location: 15q14.
Variant type: single nucleotide variant.
Coding change: c.1011C>A on transcript NM_152594.3 (MANE Select); coding-DNA position 1011, C replaced by A.
Protein change: p.Tyr337Ter; replaces tyrosine 337 with a stop codon.
Molecular consequence: nonsense.
Genome position (GRCh38, 1-based): chr15:38,351,340, C>A. VCF-style: chr15-38351340-C-A. GRCh37 (hg19) VCF-style: chr15-38643541-C-A.
Other names: short protein forms Y337*.
Identifiers: ClinVar variation 1391856 (VCV001391856.6), dbSNP rs2141016437, ClinGen allele CA391933765.

ClinVar aggregate classification (germline): Pathogenic (1 of 4 stars; one submission).

Conditions:
Legius syndrome. Identifiers: Orphanet 137605, MedGen C1969623, MONDO:0012669, OMIM 611431. Disease mechanism: loss of function.

Submission:

Labcorp Genetics (formerly Invitae), Labcorp
Classification: Pathogenic for Legius syndrome. Last evaluated: 2022-10-08. Review status: criteria provided, single submitter. Criteria: Invitae Variant Classification Sherloc (09022015). Collection method: clinical testing. Allele origin: germline.
Comment: For these reasons, this variant has been classified as Pathogenic. This variant disrupts a region of the SPRED1 protein in which other variant(s) (p.Gly385Ilefs*20) have been determined to be pathogenic (PMID: 17704776, 21089071; Invitae). This suggests that this is a clinically significant region of the protein, and that variants that disrupt it are likely to be disease-causing. ClinVar contains an entry for this variant (Variation ID: 1391856). This variant has not been reported in the literature in individuals affected with SPRED1-related conditions. This variant is not present in population databases (gnomAD no frequency). This sequence change creates a premature translational stop signal (p.Tyr337*) in the SPRED1 gene. While this is not anticipated to result in nonsense mediated decay, it is expected to disrupt the last 108 amino acid(s) of the SPRED1 protein.

Literature cited by the submitters: PubMed 17704776; PubMed 21089071.